The following is an entry in ClinVar:

ClinVar aggregate classification (germline): Benign. Review status: criteria provided, multiple submitters, no conflicts (2 of 4 stars). 2 submissions from 2 submitters: Benign (2). Last evaluated 2026-07-01.

Allele frequency attached by ClinVar (database versions not stated): 1000 Genomes Project 0.00200; 1000 Genomes Project 30x 0.00203; gnomAD 0.00724; TOPMed 0.00729; ESP Exome Variant Server 0.00930.
gnomAD v4.1: 17,415 of 1,609,448 alleles (1.1%); highest among the groups gnomAD compares: Non-Finnish European, 1.3%; 138 homozygotes.

Submissions (2):

CeGaT Center for Human Genetics Tuebingen
Classification: Benign. Last evaluated: 2026-07-01. Review status: criteria provided, single submitter. Criteria: CeGaT Center For Human Genetics Tuebingen Variant Classification Criteria Version 2. Collection method: clinical testing. Allele origin: germline. Affected: yes. Observed: 41 variant alleles.
Comment: VPS41: BP4, BP7, BS1, BS2

Labcorp Genetics (formerly Invitae), Labcorp
Classification: Benign. Last evaluated: 2017-09-17. Review status: criteria provided, single submitter. Criteria: Invitae Variant Classification Sherloc (09022015). Collection method: clinical testing. Allele origin: germline.

NM_014396.4(VPS41):c.1215G>C (p.Leu405=)

Gene: VPS41 (VPS41 subunit of HOPS complex; minus strand). Cytogenetic location: 7p14.1.
Variant type: single nucleotide variant.
Coding change: c.1215G>C on transcript NM_014396.4 (MANE Select); coding-DNA position 1215, G replaced by C.
Protein change: p.Leu405=; no amino-acid change (leucine 405 retained).
Molecular consequence: synonymous variant.
Genome position (GRCh38, 1-based): chr7:38,767,569, C>G on the plus strand (G>C on the coding strand, the complement: VPS41 is on the minus strand). VCF-style: chr7-38767569-C-G. GRCh37 (hg19) VCF-style: chr7-38807169-C-G.
Other names: c.1140G>C, p.Leu380= (NM_080631.4).
Identifiers: ClinVar variation 707945 (VCV000707945.33), dbSNP rs149665930, ClinGen allele CA4226856.